The following is an entry in ClinVar:

NM_014425.5(INVS):c.1374C>T (p.Thr458=)

Gene: INVS (inversin; plus strand). Cytogenetic location: 9q31.1.
Variant type: single nucleotide variant.
Coding change: c.1374C>T on transcript NM_014425.5 (MANE Select); coding-DNA position 1374, C replaced by T.
Protein change: p.Thr458=; no amino-acid change (threonine 458 retained).
Molecular consequence: synonymous variant. On other transcripts: non-coding transcript variant (1).
Genome position (GRCh38, 1-based): chr9:100,253,046, C>T. VCF-style: chr9-100253046-C-T. GRCh37 (hg19) VCF-style: chr9-103015328-C-T.
Other names: c.1086C>T, p.Thr362= (NM_001318381.2); c.396C>T, p.Thr132= (NM_001318382.2).
Identifiers: ClinVar variation 5000848 (VCV005000848.1).

ClinVar aggregate classification (germline): Likely benign (1 of 4 stars; one submission).

Conditions:
INVS-related disorder. Also called: INVS-related condition.

Submission:

PreventionGenetics, part of Exact Sciences
Classification: Likely benign for INVS-related condition. Last evaluated: 2025-12-26. Review status: criteria provided, single submitter. Criteria: ACMG Guidelines, 2015. Collection method: clinical testing. Allele origin: germline.
Comment: This variant is classified as likely benign based on ACMG/AMP sequence variant interpretation guidelines (Richards et al. 2015 PMID: 25741868, with internal and published modifications).